The following is an entry in ClinVar:

NM_001375524.1(TRRAP):c.8262C>T (p.Ser2754=)

Gene: TRRAP (transformation/transcription domain associated protein; plus strand). Cytogenetic location: 7q22.1.
Variant type: single nucleotide variant.
Coding change: c.8262C>T on transcript NM_001375524.1 (MANE Select); coding-DNA position 8262, C replaced by T.
Protein change: p.Ser2754=; no amino-acid change (serine 2754 retained).
Molecular consequence: synonymous variant.
Genome position (GRCh38, 1-based): chr7:98,976,953, C>T. VCF-style: chr7-98976953-C-T. GRCh37 (hg19) VCF-style: chr7-98574576-C-T.
Other names: c.8241C>T, p.Ser2747= (NM_001244580.2); c.8187C>T, p.Ser2729= (NM_003496.4); c.8187C>T (NM_003496.3).
Identifiers: ClinVar variation 2075776 (VCV002075776.6), dbSNP rs141899953, ClinGen allele CA4361388.

ClinVar aggregate classification (germline): Benign/Likely benign. Review status: criteria provided, multiple submitters, no conflicts (2 of 4 stars). 3 submissions from 3 submitters: Benign (1); Likely benign (2). Last evaluated 2026-01-24.

Conditions:
TRRAP-related disorder. Also called: TRRAP-related condition.

Allele frequency attached by ClinVar (database versions not stated): 1000 Genomes Project 0.00260; 1000 Genomes Project 30x 0.00281; ExAC 0.00036; ESP Exome Variant Server 0.00123; gnomAD 0.00131; TOPMed 0.00176.
gnomAD v4.1: 392 of 1,614,076 alleles (0.024%); highest among the groups gnomAD compares: African/African-American, 0.41%; no homozygotes.

Submissions (3):

Labcorp Genetics (formerly Invitae), Labcorp
Classification: Benign. Last evaluated: 2026-01-24. Review status: criteria provided, single submitter. Criteria: Invitae Variant Classification Sherloc (09022015). Collection method: clinical testing. Allele origin: germline.

Blueprint Genetics
Classification: Likely benign. Last evaluated: 2024-11-25. Review status: criteria provided, single submitter. Criteria: ACMG Guidelines, 2015. Collection method: clinical testing. Allele origin: germline.

PreventionGenetics, part of Exact Sciences
Classification: Likely benign for TRRAP-related condition. Last evaluated: 2024-10-20. Review status: criteria provided, single submitter. Criteria: ACMG Guidelines, 2015. Collection method: clinical testing. Allele origin: germline.
Comment: This variant is classified as likely benign based on ACMG/AMP sequence variant interpretation guidelines (Richards et al. 2015 PMID: 25741868, with internal and published modifications).